The following is an entry in ClinVar:

NM_001035.3(RYR2):c.13748C>A (p.Ser4583Tyr)

Gene: RYR2 (ryanodine receptor 2; plus strand). Cytogenetic location: 1q43.
Variant type: single nucleotide variant.
Coding change: c.13748C>A on transcript NM_001035.3 (MANE Select); coding-DNA position 13748, C replaced by A.
Protein change: p.Ser4583Tyr; replaces serine 4583 with tyrosine.
Molecular consequence: missense variant.
Genome position (GRCh38, 1-based): chr1:237,792,289, C>A. VCF-style: chr1-237792289-C-A. GRCh37 (hg19) VCF-style: chr1-237955589-C-A.
Other names: c.13748C>A, p.Ser4583Tyr (LRG_402t1); short protein forms S4583Y.
Identifiers: ClinVar variation 265301 (VCV000265301.2), dbSNP rs886039458, ClinGen allele CA10588286.

ClinVar aggregate classification (germline): Likely pathogenic (1 of 4 stars; one submission).

Submission:

GeneDx
Classification: Likely pathogenic. Last evaluated: 2015-07-07. Review status: criteria provided, single submitter. Criteria: GeneDx Variant Classification (06012015). Collection method: clinical testing. Allele origin: germline. Affected: yes.
Comment: The S4583Y variant that is likely pathogenic has not been published as a pathogenic variant, nor has it been reported as a benign polymorphism to our knowledge. The S4583Y variant was not observed in approximately 6300 individuals of European and African American ancestry in the NHLBI Exome Sequencing Project, indicating it is not a common benign variant in these populations. The S4583Y variant is a semi-conservative amino acid substitution, which may impact secondary protein structure as these residues differ in some properties. This substitution occurs at a position that is conserved across species. In silico analysis predicts this variant is probably damaging to the protein structure/function. Missense variants in nearby residues (H4579Y, I4587V) have been reported in the Human Gene Mutation Database in association with CPVT (Stenson et al., 2014), supporting the functional importance of this region of the protein. Finally, the S4583Y variant is located in one of the three hot-spot regions of the RYR2 gene, where the majority of pathogenic missense variatns occur (Medeiros-Domingo et al., 2009). Therefore, this variant is a strong candidate for a pathogenic variant, however the possibility that it is a benign variant cannot be excluded.